The following is an entry in ClinVar:

NM_006019.4(TCIRG1):c.904_952del (p.Val302fs)

Gene: TCIRG1 (T cell immune regulator 1, ATPase H+ transporting V0 subunit a3; plus strand). Cytogenetic location: 11q13.2.
Variant type: Deletion.
Coding change: c.904_952del on transcript NM_006019.4 (MANE Select); coding-DNA positions 904 to 952, 49 bases deleted.
Protein change: p.Val302fs; shifts the reading frame from valine 302.
Molecular consequence: frameshift variant.
Genome position (GRCh38, 1-based): chr11:68,044,228-68,044,276, 49 bases deleted; deleting any 49 consecutive bases within chr11:68,044,225-68,044,276 gives the same sequence; the c. name uses the placement nearest the transcript's 3' end. GRCh37 (hg19): chr11:67,811,695-67,811,743.
Other names: c.10_58del, p.Val4fs (NM_001351059.2); c.256_304del, p.Val86fs (NM_006053.4); short protein forms V302fs, V86fs, V4fs.
Identifiers: ClinVar variation 1439125 (VCV001439125.6), dbSNP rs2134441979, ClinGen allele CA2573147506.

ClinVar aggregate classification (germline): Pathogenic (1 of 4 stars; one submission).

Submission:

Labcorp Genetics (formerly Invitae), Labcorp
Classification: Pathogenic. Last evaluated: 2021-11-17. Review status: criteria provided, single submitter. Criteria: Invitae Variant Classification Sherloc (09022015). Collection method: clinical testing. Allele origin: germline.
Comment: For these reasons, this variant has been classified as Pathogenic. This variant has not been reported in the literature in individuals affected with TCIRG1-related conditions. This variant is not present in population databases (gnomAD no frequency). This sequence change creates a premature translational stop signal (p.Val302Serfs*28) in the TCIRG1 gene. It is expected to result in an absent or disrupted protein product. Loss-of-function variants in TCIRG1 are known to be pathogenic (PMID: 10888887, 10942435, 11532986, 19448635).

Literature cited by the submitters: PubMed 10888887; PubMed 10942435; PubMed 11532986; PubMed 19448635.